The following is an entry in ClinVar:

ClinVar aggregate classification (germline): Uncertain significance (1 of 4 stars; one submission).

gnomAD v4.1: 5 of 1,613,680 alleles (0.00031%); highest among the groups gnomAD compares: Non-Finnish European, 0.00042%; no homozygotes.

Submission:

Labcorp Genetics (formerly Invitae), Labcorp
Classification: Uncertain significance. Last evaluated: 2021-12-23. Review status: criteria provided, single submitter. Criteria: Invitae Variant Classification Sherloc (09022015). Collection method: clinical testing. Allele origin: germline.
Comment: This sequence change replaces histidine, which is basic and polar, with tyrosine, which is neutral and polar, at codon 269 of the NDUFAF6 protein (p.His269Tyr). This variant is present in population databases (rs768273248, gnomAD 0.002%). This variant has not been reported in the literature in individuals affected with NDUFAF6-related conditions. Algorithms developed to predict the effect of missense changes on protein structure and function are either unavailable or do not agree on the potential impact of this missense change (SIFT: "Tolerated"; PolyPhen-2: "Probably Damaging"; Align-GVGD: "Class C0"). In summary, the available evidence is currently insufficient to determine the role of this variant in disease. Therefore, it has been classified as a Variant of Uncertain Significance.

NM_152416.4(NDUFAF6):c.805C>T (p.His269Tyr)

Gene: NDUFAF6 (NADH:ubiquinone oxidoreductase complex assembly factor 6; plus strand). Cytogenetic location: 8q22.1.
Variant type: single nucleotide variant.
Coding change: c.805C>T on transcript NM_152416.4 (MANE Select); coding-DNA position 805, C replaced by T.
Protein change: p.His269Tyr; replaces histidine 269 with tyrosine.
Molecular consequence: missense variant. On other transcripts: non-coding transcript variant (6).
Genome position (GRCh38, 1-based): chr8:95,048,547, C>T. VCF-style: chr8-95048547-C-T. GRCh37 (hg19) VCF-style: chr8-96060775-C-T.
Other names: c.529C>T, p.His177Tyr (NM_001330582.2, NM_001354514.2, NM_001354515.2 and 1 more transcripts); c.649C>T, p.His217Tyr (NM_001354516.2); c.472C>T, p.His158Tyr (NM_001354517.2, NM_001354518.2, NM_001354519.2 and 1 more transcripts); c.349C>T, p.His117Tyr (NM_001354522.2, NM_001354524.2, NM_001354525.2 and 7 more transcripts); short protein forms H177Y, H117Y, H158Y, H269Y, H217Y.
Identifiers: ClinVar variation 1959893 (VCV001959893.5), dbSNP rs768273248, ClinGen allele CA4814904.